The following is an entry in ClinVar:

ClinVar aggregate classification (germline): Uncertain significance (1 of 4 stars; one submission).

Allele frequency attached by ClinVar (database versions not stated): TOPMed below 0.00001; gnomAD 0.00001; gnomAD exomes 0.00004 and 0.00002; 1000 Genomes Project 30x 0.00031; ExAC 0.00004; 1000 Genomes Project 0.00040.
gnomAD v4.1: 54 of 1,592,076 alleles (0.0034%); highest among the groups gnomAD compares: Non-Finnish European, 0.0041%; no homozygotes.

Submission:

Labcorp Genetics (formerly Invitae), Labcorp
Classification: Uncertain significance. Last evaluated: 2021-02-02. Review status: criteria provided, single submitter. Criteria: Invitae Variant Classification Sherloc (09022015). Collection method: clinical testing. Allele origin: germline.
Comment: In summary, the available evidence is currently insufficient to determine the role of this variant in disease. Therefore, it has been classified as a Variant of Uncertain Significance. Algorithms developed to predict the effect of missense changes on protein structure and function output the following: SIFT: "Tolerated"; PolyPhen-2: "Benign"; Align-GVGD: "Class C0". The glutamine amino acid residue is found in multiple mammalian species, suggesting that this missense change does not adversely affect protein function. These predictions have not been confirmed by published functional studies and their clinical significance is uncertain. This variant has not been reported in the literature in individuals with SCLT1-related conditions. This variant is present in population databases (rs574668445, ExAC 0.01%). This sequence change replaces arginine with glutamine at codon 21 of the SCLT1 protein (p.Arg21Gln). The arginine residue is weakly conserved and there is a small physicochemical difference between arginine and glutamine.

NM_144643.4(SCLT1):c.62G>A (p.Arg21Gln)

Gene: SCLT1 (sodium channel and clathrin linker 1; minus strand). Cytogenetic location: 4q28.2.
Variant type: single nucleotide variant.
Coding change: c.62G>A on transcript NM_144643.4 (MANE Select); coding-DNA position 62, G replaced by A.
Protein change: p.Arg21Gln; replaces arginine 21 with glutamine.
Molecular consequence: missense variant.
Genome position (GRCh38, 1-based): chr4:129,082,346, C>T on the plus strand (G>A on the coding strand, the complement: SCLT1 is on the minus strand). VCF-style: chr4-129082346-C-T. GRCh37 (hg19) VCF-style: chr4-130003501-C-T.
Other names: c.62G>A, p.Arg21Gln (NM_001300897.2, NM_001300898.2); short protein forms R21Q.
Identifiers: ClinVar variation 1433602 (VCV001433602.8), dbSNP rs574668445, ClinGen allele CA3080095.
Genomic context (GRCh38, chr4:129,082,346, plus strand): 5'-AGAATTTATAATTTACATACCTGTACAGATGAATATTTGGAAAAACTTTCCATTTGATAC[C>T]GCCTAAAATCTTCATTTAGTCTTCGATCTGAAACAAGCGGGAAAACAGATTTCAGTTCAT-3'
Protein context (NP_653244.2, residues 11-31): QNRRLNEDFR[Arg21Gln]YQMESFSKYS